The following is an entry in ClinVar:

ClinVar aggregate classification (germline): Uncertain significance (1 of 4 stars; one submission).

Conditions:
Neuropathy, hereditary sensory and autonomic, type 1C. Also called: HSAN IC; HSN IC. Identifiers: Orphanet 36386, MedGen C3150896, MONDO:0013337, OMIM 613640.

Submission:

Labcorp Genetics (formerly Invitae), Labcorp
Classification: Uncertain significance for Neuropathy, hereditary sensory and autonomic, type 1C. Last evaluated: 2023-02-21. Review status: criteria provided, single submitter. Criteria: Invitae Variant Classification Sherloc (09022015). Collection method: clinical testing. Allele origin: germline.
Comment: In summary, the available evidence is currently insufficient to determine the role of this variant in disease. Therefore, it has been classified as a Variant of Uncertain Significance. This sequence change replaces methionine, which is neutral and non-polar, with leucine, which is neutral and non-polar, at codon 68 of the SPTLC2 protein (p.Met68Leu). This variant is present in population databases (rs767825728, gnomAD 0.006%). This variant has not been reported in the literature in individuals affected with SPTLC2-related conditions. An algorithm developed to predict the effect of missense changes on protein structure and function (PolyPhen-2) suggests that this variant is likely to be tolerated.

NM_004863.4(SPTLC2):c.202A>T (p.Met68Leu)

Gene: SPTLC2 (serine palmitoyltransferase long chain base subunit 2; minus strand). Cytogenetic location: 14q24.3.
Variant type: single nucleotide variant.
Coding change: c.202A>T on transcript NM_004863.4 (MANE Select); coding-DNA position 202, A replaced by T.
Protein change: p.Met68Leu; replaces methionine 68 with leucine.
Molecular consequence: missense variant.
Genome position (GRCh38, 1-based): chr14:77,597,311, T>A on the plus strand (A>T on the coding strand, the complement: SPTLC2 is on the minus strand). VCF-style: chr14-77597311-T-A. GRCh37 (hg19) VCF-style: chr14-78063654-T-A.
Other names: short protein forms M68L.
Identifiers: ClinVar variation 2839632 (VCV002839632.3), dbSNP rs767825728, ClinGen allele CA7289495.